The following is an entry in ClinVar:

NM_020859.4(SHROOM3):c.973T>G (p.Ser325Ala)

Genes: SHROOM3 (shroom family member 3; plus strand), SHROOM3-AS1 (SHROOM3 antisense RNA 1; minus strand). Cytogenetic location: 4q21.1.
Variant type: single nucleotide variant.
Coding change: c.973T>G on transcript NM_020859.4 (MANE Select); coding-DNA position 973, T replaced by G.
Protein change: p.Ser325Ala; replaces serine 325 with alanine.
Molecular consequence: missense variant.
Genome position (GRCh38, 1-based): chr4:76,739,146, T>G. VCF-style: chr4-76739146-T-G. GRCh37 (hg19) VCF-style: chr4-77660299-T-G.
Other names: short protein forms S325A.
Identifiers: ClinVar variation 403438 (VCV000403438.7), dbSNP rs61999292, ClinGen allele CA2972268.
Genomic context (GRCh38, chr4:76,739,146, plus strand): 5'-CGCTATGTCAAGACAGTCTATGACACCCGGAGGGGAGTCTCAGCAGAGTATGAGGTGAAC[T>G]CTTCAGCCCTGCTGCTTCAAGGTAGGGAGGCCCGAGCCTCAGCAAATGGTCAGGGCTATG-3'
Protein context (NP_065910.3, residues 315-335): RGVSAEYEVN[Ser325Ala]SALLLQGREA

ClinVar aggregate classification (germline): Benign. Review status: criteria provided, multiple submitters, no conflicts (2 of 4 stars). 3 submissions from 3 submitters: Benign (2). 1 of the submissions does not count toward it. Last evaluated 2016-03-29.

Conditions:
SHROOM3-related disorder. Also called: SHROOM3-related condition.

Allele frequency attached by ClinVar (database versions not stated): 1000 Genomes Project 0.03315; 1000 Genomes Project 30x 0.03357; gnomAD 0.05794 and 0.05868; TOPMed 0.05872; ExAC 0.06307; gnomAD exomes 0.06430; ESP Exome Variant Server 0.06705.
gnomAD v4.1: 126,299 of 1,614,028 alleles (7.8%); highest among the groups gnomAD compares: Middle Eastern, 12%; 5,582 homozygotes.

Submissions (3):

Laboratory for Molecular Medicine, Mass General Brigham Personalized Medicine
Classification: Benign. Last evaluated: 2016-03-29. Review status: criteria provided, single submitter. Criteria: LMM Criteria. Collection method: clinical testing. Allele origin: germline.
Comment: Variant identified in a genome or exome case(s) and assessed due to predicted null impact of the variant or pathogenic assertions in the literature or databases. Disclaimer: This variant has not undergone full assessment. The following are preliminary notes: MAF

Breakthrough Genomics
Classification: Benign. Review status: criteria provided, single submitter. Criteria: ACMG Guidelines, 2015. Collection method: not provided. Allele origin: germline. Inheritance: Unknown mechanism. Affected: yes.

PreventionGenetics, part of Exact Sciences
Classification: Benign for SHROOM3-related condition. Last evaluated: 2019-02-22. Review status: no assertion criteria provided. Collection method: clinical testing. Allele origin: germline. Not counted in ClinVar's aggregate classification.
Comment: This variant is classified as benign based on ACMG/AMP sequence variant interpretation guidelines (Richards et al. 2015 PMID: 25741868, with internal and published modifications).